The following is an entry in ClinVar:

NM_021120.4(DLG3):c.2035C>T (p.Arg679Ter)

Gene: DLG3 (discs large MAGUK scaffold protein 3; plus strand). Cytogenetic location: Xq13.1.
Variant type: single nucleotide variant.
Coding change: c.2035C>T on transcript NM_021120.4 (MANE Select); coding-DNA position 2035, C replaced by T.
Protein change: p.Arg679Ter; replaces arginine 679 with a stop codon.
Molecular consequence: nonsense.
Genome position (GRCh38, 1-based): chrX:70,499,939, C>T. VCF-style: chrX-70499939-C-T. GRCh37 (hg19) VCF-style: chrX-69719789-C-T.
Other names: c.682C>T, p.Arg228Ter (NM_001166278.2); c.1120C>T, p.Arg374Ter (NM_020730.3); short protein forms R679*, R228*, R374*.
Identifiers: ClinVar variation 816966 (VCV000816966.25), dbSNP rs1602991098, ClinGen allele CA413460794.
Genomic context (GRCh38, chrX:70,499,939, plus strand): 5'-ACTACCCGGCCTCGACGTGATAATGAGGTGGATGGACAAGACTACCACTTTGTGGTGTCC[C>T]GAGAACAAATGGAGAAAGATATTCAGGACAACAAGTTCATCGAGGCGGGCCAATTTAATG-3'

ClinVar aggregate classification (germline): Pathogenic/Likely pathogenic. Review status: criteria provided, multiple submitters, no conflicts (2 of 4 stars). 3 submissions from 3 submitters: Pathogenic (2); Likely pathogenic (1). Last evaluated 2023-12-01.

Submissions (3):

CeGaT Center for Human Genetics Tuebingen
Classification: Pathogenic. Last evaluated: 2023-12-01. Review status: criteria provided, single submitter. Criteria: CeGaT Center For Human Genetics Tuebingen Variant Classification Criteria Version 2. Collection method: clinical testing. Allele origin: germline. Affected: yes. Observed: 1 variant allele.
Comment: DLG3: PVS1, PM2, PS2:Supporting

Institute of Medical Genetics and Applied Genomics, University Hospital Tübingen
Classification: Pathogenic. Last evaluated: 2021-06-17. Review status: criteria provided, single submitter. Criteria: ACMG Guidelines, 2015. Collection method: clinical testing. Allele origin: germline. Inheritance: X-linked recessive inheritance. Affected: yes.

GeneDx
Classification: Likely pathogenic. Last evaluated: 2019-02-12. Review status: criteria provided, single submitter. Criteria: GeneDx Variant Classification (06012015). Collection method: clinical testing. Allele origin: germline. Affected: yes.
Comment: The R679X variant in the DLG3 gene has not been reported previously as a pathogenic variant nor as a benign variant, to our knowledge. This variant is predicted to cause loss of normal protein function either through protein truncation or nonsense-mediated mRNA decay. The R679X variant is not observed in large population cohorts (Lek et al., 2016). We interpret R679X as a likely pathogenic variant.